The following is an entry in ClinVar:

NM_001110556.2(FLNA):c.2319A>T (p.Lys773Asn)

Gene: FLNA (filamin A; minus strand). Cytogenetic location: Xq28.
Variant type: single nucleotide variant.
Coding change: c.2319A>T on transcript NM_001110556.2 (MANE Select); coding-DNA position 2319, A replaced by T.
Protein change: p.Lys773Asn; replaces lysine 773 with asparagine.
Molecular consequence: missense variant.
Genome position (GRCh38, 1-based): chrX:154,362,746, T>A on the plus strand (A>T on the coding strand, the complement: FLNA is on the minus strand). VCF-style: chrX-154362746-T-A. GRCh37 (hg19) VCF-style: chrX-153591114-T-A.
Other names: c.2319A>T, p.Lys773Asn (NM_001456.4); short protein forms K773N.
Identifiers: ClinVar variation 405450 (VCV000405450.13), dbSNP rs1060500719, ClinGen allele CA16616653.

ClinVar aggregate classification (germline): Uncertain significance. Review status: criteria provided, multiple submitters, no conflicts (2 of 4 stars). 2 submissions from 2 submitters: Uncertain significance (2). Last evaluated 2025-12-05.

Conditions:
Heterotopia, periventricular, X-linked dominant (PVNH1). Also called: PERIVENTRICULAR NODULAR HETEROTOPIA 4; HETEROTOPIA, PERIVENTRICULAR, 1; PERIVENTRICULAR NODULAR HETEROTOPIA 1; X-linked periventricular heterotopia. Identifiers: Orphanet 2149, Orphanet 82004, MedGen C1848213, MONDO:0010233, OMIM 300049.
Oto-palato-digital syndrome, type II (OPD2). Also called: Otopalatodigital Syndrome, Type II; Otopalatodigital Syndrome Type 2 (FLNA-OPD2); FACIOPALATOOSSEOUS SYNDROME; OPD II SYNDROME. Identifiers: Orphanet 669, Orphanet 90652, MedGen C1844696, MONDO:0010571, OMIM 304120.
Frontometaphyseal dysplasia (FMD1). Identifiers: Orphanet 1826, MedGen C0265293, MONDO:0015942.
Melnick-Needles syndrome (MNS). Also called: Melnick-Needles Syndrome (FLNA-MNS); MELNICK-NEEDLES OSTEODYSPLASTY; OSTEODYSPLASTY OF MELNICK AND NEEDLES. Identifiers: Orphanet 2484, MedGen C0025237, MONDO:0010650, OMIM 309350.

Allele frequency attached by ClinVar (database versions not stated): gnomAD 0.00002; TOPMed 0.00002.
gnomAD v4.1: 5 of 1,202,939 alleles (0.00042%); highest among the groups gnomAD compares: Non-Finnish European, 0.00056%; no homozygotes.

Submissions (2):

Labcorp Genetics (formerly Invitae), Labcorp
Classification: Uncertain significance for Oto-palato-digital syndrome, type II; Heterotopia, periventricular, X-linked dominant; Frontometaphyseal dysplasia; Melnick-Needles syndrome. Last evaluated: 2025-12-05. Review status: criteria provided, single submitter. Criteria: Invitae Variant Classification Sherloc (09022015). Collection method: clinical testing. Allele origin: germline.
Comment: This sequence change replaces lysine, which is basic and polar, with asparagine, which is neutral and polar, at codon 773 of the FLNA protein (p.Lys773Asn). This variant is not present in population databases (gnomAD no frequency). This variant has not been reported in the literature in individuals affected with FLNA-related conditions. ClinVar contains an entry for this variant (Variation ID: 405450). Invitae Evidence Modeling of protein sequence and biophysical properties (such as structural, functional, and spatial information, amino acid conservation, physicochemical variation, residue mobility, and thermodynamic stability) indicates that this missense variant is not expected to disrupt FLNA protein function with a negative predictive value of 95%. In summary, the available evidence is currently insufficient to determine the role of this variant in disease. Therefore, it has been classified as a Variant of Uncertain Significance.

GeneDx
Classification: Uncertain significance. Last evaluated: 2024-01-10. Review status: criteria provided, single submitter. Criteria: GeneDx Variant Classification Process June 2021. Collection method: clinical testing. Allele origin: germline. Affected: yes.
Comment: Has not been previously published as pathogenic or benign to our knowledge; In silico analysis supports that this missense variant has a deleterious effect on protein structure/function